The following is an entry in ClinVar:

NM_001379610.1(SPINK1):c.55+1G>T

Gene: SPINK1 (serine peptidase inhibitor Kazal type 1; minus strand). Cytogenetic location: 5q32.
Variant type: single nucleotide variant.
Coding change: c.55+1G>T on transcript NM_001379610.1 (MANE Select); the canonical splice donor site of the intron after coding-DNA position 55, G replaced by T.
Molecular consequence: splice donor variant.
Genome position (GRCh38, 1-based): chr5:147,831,522, C>A on the plus strand (G>T on the coding strand, the complement: SPINK1 is on the minus strand). VCF-style: chr5-147831522-C-A. GRCh37 (hg19) VCF-style: chr5-147211085-C-A.
Other names: c.55+1G>T (NM_003122.5, NM_001354966.2).
Identifiers: ClinVar variation 633006 (VCV000633006.1), dbSNP rs1561606446, ClinGen allele CA361885479.
Genomic context (GRCh38, chr5:147,831,522, plus strand): 5'-GCTTCACAAAGCAACAGGTCAAAACAGTTTTATTTAAATTTGAAAAATATGCAACACTTA[C>A]CAGATAGACTCAACAGGGCCAAGGCACTGAGAAGAAAGATGCCTGTTACCTTCATGGCTG-3'

ClinVar aggregate classification (germline): Likely pathogenic (1 of 4 stars; one submission).

Conditions:
Hereditary pancreatitis (PCTT). Also called: Hereditary chronic pancreatitis; PRSS1-Related Hereditary Pancreatitis. Identifiers: Orphanet 676, MedGen C0238339, MONDO:0008185, OMIM 167800.

Allele frequency attached by ClinVar (database versions not stated): TOPMed below 0.00001.

Submission:

Women's Health and Genetics/Laboratory Corporation of America, LabCorp
Classification: Likely pathogenic for Hereditary pancreatitis. Last evaluated: 2018-05-23. Review status: criteria provided, single submitter. Criteria: LabCorp Variant Classification Summary - May 2015. Collection method: clinical testing. Allele origin: germline.
Comment: Variant summary: SPINK1 c.55+1G>T is located in a canonical splice-site and is predicted to affect mRNA splicing resulting in a significantly altered protein due to either exon skipping, shortening, or inclusion of intronic material. Several computational tools predict a significant impact on normal splicing: Five predict the variant abolishes a 5 splicing donor site. However, these predictions have yet to be confirmed by functional studies. The variant was absent in 30982 control chromosomes (gnomAD). To our knowledge, no occurrence of c.55+1G>T in individuals affected with Chronic Pancreatitis Risk and no experimental evidence demonstrating its impact on protein function have been reported. No clinical diagnostic laboratories have submitted clinical-significance assessments for this variant to ClinVar after 2014. Based on the evidence outlined above, the variant was classified as likely pathogenic.